The following is an entry in ClinVar:

ClinVar aggregate classification (germline): Uncertain significance (1 of 4 stars; one submission).

Conditions:
Baller-Gerold syndrome (BGS). Also called: CRANIOSYNOSTOSIS WITH RADIAL DEFECTS. Identifiers: Orphanet 1225, MedGen C0265308, MONDO:0009039, OMIM 218600.

Submission:

Labcorp Genetics (formerly Invitae), Labcorp
Classification: Uncertain significance for Baller-Gerold syndrome. Last evaluated: 2017-09-16. Review status: criteria provided, single submitter. Criteria: Invitae Variant Classification Sherloc (09022015). Collection method: clinical testing. Allele origin: germline.
Comment: This sequence change replaces valine with methionine at codon 874 of the RECQL4 protein (p.Val874Met). The valine residue is weakly conserved and there is a small physicochemical difference between valine and methionine. This variant is not present in population databases (ExAC no frequency). This variant has not been reported in the literature in individuals with RECQL4-related disease. Algorithms developed to predict the effect of missense changes on protein structure and function (SIFT, PolyPhen-2, Align-GVGD) all suggest that this variant is likely to be tolerated, but these predictions have not been confirmed by published functional studies and their clinical significance is uncertain. In summary, the available evidence is currently insufficient to determine the role of this variant in disease. Therefore, it has been classified as a Variant of Uncertain Significance.

NM_004260.4(RECQL4):c.2620G>A (p.Val874Met)

Gene: RECQL4 (RecQ like helicase 4; minus strand). Cytogenetic location: 8q24.3.
Variant type: single nucleotide variant.
Coding change: c.2620G>A on transcript NM_004260.4 (MANE Select); coding-DNA position 2620, G replaced by A.
Protein change: p.Val874Met; replaces valine 874 with methionine.
Molecular consequence: missense variant.
Genome position (GRCh38, 1-based): chr8:144,512,982, C>T on the plus strand (G>A on the coding strand, the complement: RECQL4 is on the minus strand). VCF-style: chr8-144512982-C-T. GRCh37 (hg19) VCF-style: chr8-145738365-C-T.
Other names: short protein forms V874M.
Identifiers: ClinVar variation 529010 (VCV000529010.4), dbSNP rs1554897651, ClinGen allele CA372676826.